The following is an entry in ClinVar:

ClinVar aggregate classification (germline): Pathogenic (1 of 4 stars; one submission).

Submission:

GeneDx
Classification: Pathogenic. Last evaluated: 2022-06-20. Review status: criteria provided, single submitter. Criteria: GeneDx Variant Classification Process June 2021. Collection method: clinical testing. Allele origin: germline. Affected: yes.
Comment: Affects a glycine residue in a Gly-X-Y motif in the triple helical region of the COL4A1 gene, where the majority of pathogenic missense variants occur, and is predicted to disrupt normal protein folding and function (PMID: 24077912, 22522439, 23225343); Not observed at significant frequency in large population cohorts (gnomAD); In silico analysis supports that this missense variant has a deleterious effect on protein structure/function; Observed in a family with angiopathy, nephropathy, aneurysms, and muscle cramps in published literature (PMID: 20818663); This variant is associated with the following publications: (PMID: 25525159, 24077912, 22522439, 23225343, 20818663, 29801666)

NM_001845.6(COL4A1):c.1493G>A (p.Gly498Asp)

Gene: COL4A1 (collagen type IV alpha 1 chain; minus strand). Cytogenetic location: 13q34.
Variant type: single nucleotide variant.
Coding change: c.1493G>A on transcript NM_001845.6 (MANE Select); coding-DNA position 1493, G replaced by A.
Protein change: p.Gly498Asp; replaces glycine 498 with aspartic acid.
Molecular consequence: missense variant.
Genome position (GRCh38, 1-based): chr13:110,192,257, C>T on the plus strand (G>A on the coding strand, the complement: COL4A1 is on the minus strand). VCF-style: chr13-110192257-C-T. GRCh37 (hg19) VCF-style: chr13-110844604-C-T.
Other names: c.1493G>A, p.Gly498Asp (NM_001303110.2); short protein forms G498D.
Identifiers: ClinVar variation 449496 (VCV000449496.4), dbSNP rs113994104, ClinGen allele CA388723400.